The following is an entry in ClinVar:

ClinVar aggregate classification (germline): Uncertain significance (1 of 4 stars; one submission).

Submission:

CeGaT Center for Human Genetics Tuebingen
Classification: Uncertain significance. Last evaluated: 2025-09-01. Review status: criteria provided, single submitter. Criteria: CeGaT Center For Human Genetics Tuebingen Variant Classification Criteria Version 2. Collection method: clinical testing. Allele origin: germline. Affected: yes. Observed: 1 variant allele.
Comment: AKAP9: PM2, BP4

NM_005751.5(AKAP9):c.3076A>G (p.Met1026Val)

Gene: AKAP9 (A-kinase anchoring protein 9; plus strand). Cytogenetic location: 7q21.2.
Variant type: single nucleotide variant.
Coding change: c.3076A>G on transcript NM_005751.5 (MANE Select); coding-DNA position 3076, A replaced by G.
Protein change: p.Met1026Val; replaces methionine 1026 with valine.
Molecular consequence: missense variant.
Genome position (GRCh38, 1-based): chr7:92,002,993, A>G. VCF-style: chr7-92002993-A-G. GRCh37 (hg19) VCF-style: chr7-91632307-A-G.
Other names: c.3076A>G, p.Met1026Val (NM_147185.3); short protein forms M1026V.
Identifiers: ClinVar variation 4281086 (VCV004281086.7).
Genomic context (GRCh38, chr7:92,002,993, plus strand): 5'-GCAGAAAATGTACAGTCATGTGATACTCAAGTAAGCTCTTTATTAGATGGAGTTGTGACC[A>G]TGACAAGCAGGGGTGCTGAAGGATCAGTTTCTAAAGTAAATAAAAGTTTTGGTGAAGAAT-3'
Protein context (NP_005742.4, residues 1016-1036): VSSLLDGVVT[Met1026Val]TSRGAEGSVS